The following is an entry in ClinVar:

NM_001386298.1(CIC):c.3143G>A (p.Arg1048Gln)

Gene: CIC (capicua transcriptional repressor; plus strand). Cytogenetic location: 19q13.2.
Variant type: single nucleotide variant.
Coding change: c.3143G>A on transcript NM_001386298.1 (MANE Select); coding-DNA position 3143, G replaced by A.
Protein change: p.Arg1048Gln; replaces arginine 1048 with glutamine.
Molecular consequence: missense variant.
Genome position (GRCh38, 1-based): chr19:42,287,204, G>A. VCF-style: chr19-42287204-G-A. GRCh37 (hg19) VCF-style: chr19-42791356-G-A.
Other names: c.3143G>A, p.Arg1048Gln (NM_001304815.2, NM_001379480.1, NM_001379482.1); c.416G>A, p.Arg139Gln (NM_001379484.1, NM_001379485.1, NM_015125.5); short protein forms R1048Q, R139Q.
Identifiers: ClinVar variation 928546 (VCV000928546.2), dbSNP rs760049446, ClinGen allele CA9471705.

ClinVar aggregate classification (germline): Uncertain significance (1 of 4 stars; one submission).

Allele frequency attached by ClinVar (database versions not stated): ExAC 0.00001; gnomAD 0.00001; TOPMed 0.00001.
gnomAD v4.1: 8 of 1,613,508 alleles (0.0005%); highest among the groups gnomAD compares: Non-Finnish European, 0.00068%; no homozygotes.

Submission:

Women's Health and Genetics/Laboratory Corporation of America, LabCorp
Classification: Uncertain significance. Last evaluated: 2022-02-17. Review status: criteria provided, single submitter. Criteria: LabCorp Variant Classification Summary - May 2015. Collection method: clinical testing. Allele origin: germline.
Comment: Variant summary: CIC c.416G>A (p.Arg139Gln) results in a conservative amino acid change in the encoded protein sequence. Three of five in-silico tools predict a benign effect of the variant on protein function. The variant allele was found at a frequency of 8.3e-06 in 362190 control chromosomes (i.e. 3 alleles in the gnomAD v2.1 and v3.1 (non-v2) datasets). The available data on variant occurrences in the general population are insufficient to allow any conclusion about variant significance. To our knowledge, no occurrences of c.416G>A in individuals affected with Mental Retardation, Autosomal Dominant 45 and no experimental evidence demonstrating an impact on protein function have been reported in the literature. No clinical diagnostic laboratories have submitted clinical-significance assessments for this variant to ClinVar after 2014. Based on the evidence outlined above, the variant was classified as uncertain significance.

Literature cited by the submitters: PubMed 25665006.